The following is an entry in ClinVar:

NM_001145809.2(MYH14):c.4088G>A (p.Arg1363His)

Gene: MYH14 (myosin heavy chain 14; plus strand). Cytogenetic location: 19q13.33.
Variant type: single nucleotide variant.
Coding change: c.4088G>A on transcript NM_001145809.2 (MANE Select); coding-DNA position 4088, G replaced by A.
Protein change: p.Arg1363His; replaces arginine 1363 with histidine.
Molecular consequence: missense variant.
Genome position (GRCh38, 1-based): chr19:50,280,092, G>A. VCF-style: chr19-50280092-G-A. GRCh37 (hg19) VCF-style: chr19-50783349-G-A.
Other names: c.3989G>A, p.Arg1330His (NM_001077186.2); c.3965G>A, p.Arg1322His (NM_024729.4); c.3965G>A (NM_024729.3); short protein forms R1363H, R1330H, R1322H.
Identifiers: ClinVar variation 179510 (VCV000179510.13), dbSNP rs727504915, ClinGen allele CA184565.

ClinVar aggregate classification (germline): Uncertain significance. Review status: criteria provided, multiple submitters, no conflicts (2 of 4 stars). 5 submissions from 5 submitters: Uncertain significance (5). Last evaluated 2026-01-02.

Conditions:
Inborn genetic diseases. Identifiers: MedGen C0950123, MeSH D030342.
Autosomal dominant nonsyndromic hearing loss 4A. Also called: Deafness, autosomal dominant 4A. Identifiers: Orphanet 90635, MedGen C1833503, MONDO:0010915, OMIM 600652.
Peripheral neuropathy-myopathy-hoarseness-hearing loss syndrome. Identifiers: Orphanet 397744, MedGen C3280556, MONDO:0013711, OMIM 614369.
Hearing impairment. Also called: Impaired Hearing. Identifiers: MedGen C1384666, MONDO:0005365, HP:0000365.

Allele frequency attached by ClinVar (database versions not stated): TOPMed 0.00002; gnomAD 0.00003; ExAC 0.00005.
gnomAD v4.1: 74 of 1,610,538 alleles (0.0046%); highest among the groups gnomAD compares: Middle Eastern, 0.016%; no homozygotes.

Submissions (5):

Labcorp Genetics (formerly Invitae), Labcorp
Classification: Uncertain significance. Last evaluated: 2026-01-02. Review status: criteria provided, single submitter. Criteria: Invitae Variant Classification Sherloc (09022015). Collection method: clinical testing. Allele origin: germline.
Comment: This sequence change replaces arginine, which is basic and polar, with histidine, which is basic and polar, at codon 1322 of the MYH14 protein (p.Arg1322His). This variant is present in population databases (rs727504915, gnomAD 0.01%). This variant has not been reported in the literature in individuals affected with MYH14-related conditions. ClinVar contains an entry for this variant (Variation ID: 179510). Invitae Evidence Modeling of protein sequence and biophysical properties (such as structural, functional, and spatial information, amino acid conservation, physicochemical variation, residue mobility, and thermodynamic stability) indicates that this missense variant is not expected to disrupt MYH14 protein function with a negative predictive value of 80%. In summary, the available evidence is currently insufficient to determine the role of this variant in disease. Therefore, it has been classified as a Variant of Uncertain Significance.

Ambry Genetics
Classification: Uncertain significance for Inborn genetic diseases. Last evaluated: 2025-09-24. Review status: criteria provided, single submitter. Criteria: Ambry Variant Classification Scheme 2023. Collection method: clinical testing. Allele origin: germline.

New York Genome Center
Classification: Uncertain significance for Peripheral neuropathy-myopathy-hoarseness-hearing loss syndrome; Autosomal dominant nonsyndromic hearing loss 4A. Last evaluated: 2023-04-06. Review status: criteria provided, single submitter. Criteria: NYGC Assertion Criteria 2020. Collection method: clinical testing. Allele origin: germline. Observed: 1 heterozygote.
Comment: The c.4088G>A p.(Arg1363His) variant identified in MYH14 has not previously been reported in the affected individuals in the literature and it has been deposited in ClinVar [ClinVar ID: 179510] as a Variant of Uncertain Significance (2 submissions). The c.4088G>A variant is observed in 23 out of ~582,722 heterozygous alleles (0.0039% minor allele frequency with 0 homozygotes) in population databases (gnomAD v2.1.1 and v3.1.2, TOPMed Freeze 8). The c.4088G>A variant is located in exon 31 of this 43-exon gene and is predicted to replace a moderately conserved arginine amino acid with histidine at position 1363 in the encoded protein. In silico predictions are not in favor of the damaging effect for the p.(Arg1363His) variant [REVEL = 0.388)]; however, there are no functional studiesto support or refute these predictions. A different missense variant p.(Arg1363Cys) affecting the same amino acid residue has been reported in ClinVar [ClinVar ID:1195791] as a Variant of Uncertain Significance (1 submission).Based on available evidence, this c.4088G>A p.(Arg1363His) variant identified in MYH14 is classified as a Variant of Uncertain Significance.

Department of Otolaryngology – Head & Neck Surgery, Cochlear Implant Center
Classification: Uncertain significance for Hearing impairment. Last evaluated: 2021-04-12. Review status: criteria provided, single submitter. Criteria: ClinGen HL ACMG Specifications v1. Collection method: clinical testing. Allele origin: germline. Affected: yes.
Comment: PP3_Supporting, BS2_Strong

Laboratory for Molecular Medicine, Mass General Brigham Personalized Medicine
Classification: Uncertain significance. Last evaluated: 2014-01-02. Review status: criteria provided, single submitter. Criteria: LMM Criteria. Collection method: clinical testing. Allele origin: germline. Observed: 2 variant alleles.
Comment: The Arg1363His variant in MYH14 has not been previously reported in individuals with hearing loss or in large population studies. Computational analyses (bioche mical amino acid properties, conservation, AlignGVGD, PolyPhen2, and SIFT) sugge st that the Arg1363His variant may impact the protein, though this information i s not predictive enough to determine pathogenicity. In summary, additional info rmation is needed to determine the clinical significance of this variant.